The following is an entry in ClinVar:

NM_001042492.3(NF1):c.5339A>G (p.Asn1780Ser)

Gene: NF1 (neurofibromin 1; plus strand). Cytogenetic location: 17q11.2.
Variant type: single nucleotide variant.
Coding change: c.5339A>G on transcript NM_001042492.3 (MANE Select); coding-DNA position 5339, A replaced by G.
Protein change: p.Asn1780Ser; replaces asparagine 1780 with serine.
Molecular consequence: missense variant.
Genome position (GRCh38, 1-based): chr17:31,327,569, A>G. VCF-style: chr17-31327569-A-G. GRCh37 (hg19) VCF-style: chr17-29654587-A-G.
Other names: c.5276A>G, p.Asn1759Ser (NM_000267.4); short protein forms N1759S, N1780S.
Identifiers: ClinVar variation 527506 (VCV000527506.5), dbSNP rs1411525800, ClinGen allele CA399009204.

ClinVar aggregate classification (germline): Uncertain significance (1 of 4 stars; one submission).

Conditions:
Neurofibromatosis, type 1 (NF1). Also called: VON RECKLINGHAUSEN DISEASE; NEUROFIBROMATOSIS, TYPE I, SOMATIC; Peripheral type neurofibromatosis; Neurofibromatosis, type I. Identifiers: Orphanet 636, MedGen C0027831, MONDO:0018975, OMIM 162200. Disease mechanism: loss of function.

Submission:

Labcorp Genetics (formerly Invitae), Labcorp
Classification: Uncertain significance for Neurofibromatosis, type 1. Last evaluated: 2023-08-10. Review status: criteria provided, single submitter. Criteria: Invitae Variant Classification Sherloc (09022015). Collection method: clinical testing. Allele origin: germline.
Comment: In summary, the available evidence is currently insufficient to determine the role of this variant in disease. Therefore, it has been classified as a Variant of Uncertain Significance. This sequence change replaces asparagine, which is neutral and polar, with serine, which is neutral and polar, at codon 1759 of the NF1 protein (p.Asn1759Ser). This variant is not present in population databases (gnomAD no frequency). This variant has not been reported in the literature in individuals affected with NF1-related conditions. ClinVar contains an entry for this variant (Variation ID: 527506). Advanced modeling of protein sequence and biophysical properties (such as structural, functional, and spatial information, amino acid conservation, physicochemical variation, residue mobility, and thermodynamic stability) performed at Invitae indicates that this missense variant is expected to disrupt NF1 protein function.